The following is an entry in ClinVar:

ClinVar aggregate classification (germline): Uncertain significance. Review status: criteria provided, multiple submitters, no conflicts (2 of 4 stars). 4 submissions from 4 submitters: Uncertain significance (4). Last evaluated 2024-07-22.

Allele frequency attached by ClinVar (database versions not stated): gnomAD exomes 0.00001 and 0.00002; TOPMed 0.00001; ExAC 0.00002; gnomAD 0.00003.

Submissions (4):

GeneDx
Classification: Uncertain significance. Last evaluated: 2024-07-22. Review status: criteria provided, single submitter. Criteria: GeneDx Variant Classification Process June 2021. Collection method: clinical testing. Allele origin: germline. Affected: yes.
Comment: Nonsense variant predicted to result in protein truncation as the last 42 amino acids are lost, although loss-of-function variants have not been reported downstream of this position in the protein; Not observed at significant frequency in large population cohorts (gnomAD); Has not been previously published as pathogenic or benign to our knowledge

Blueprint Genetics
Classification: Uncertain significance. Last evaluated: 2024-07-08. Review status: criteria provided, single submitter. Criteria: ACMG Guidelines, 2015. Collection method: clinical testing. Allele origin: germline.

Women's Health and Genetics/Laboratory Corporation of America, LabCorp
Classification: Uncertain significance. Last evaluated: 2024-02-27. Review status: criteria provided, single submitter. Criteria: LabCorp Variant Classification Summary - May 2015. Collection method: clinical testing. Allele origin: germline.
Comment: Variant summary: NARS2 c.1306C>T (p.Arg436X) results in a premature termination codon, predicted to cause a truncation of the encoded protein. The variant allele was found at a frequency of 1.6e-05 in 250968 control chromosomes. The available data on variant occurrences in the general population are insufficient to allow any conclusion about variant significance. To our knowledge, no occurrence of c.1306C>T in individuals affected with Combined Oxidative Phosphorylation Deficiency 24 and no experimental evidence demonstrating its impact on protein function have been reported. Variants downstream of this position have not been classified as pathogenic. ClinVar contains an entry for this variant (Variation ID: 817534). Based on the evidence outlined above, the variant was classified as uncertain significance.

Labcorp Genetics (formerly Invitae), Labcorp
Classification: Uncertain significance. Last evaluated: 2022-07-28. Review status: criteria provided, single submitter. Criteria: Invitae Variant Classification Sherloc (09022015). Collection method: clinical testing. Allele origin: germline.
Comment: This sequence change creates a premature translational stop signal (p.Arg436*) in the NARS2 gene. While this is not anticipated to result in nonsense mediated decay, it is expected to disrupt the last 42 amino acid(s) of the NARS2 protein. This variant is present in population databases (rs751383065, gnomAD 0.006%). This variant has not been reported in the literature in individuals affected with NARS2-related conditions. ClinVar contains an entry for this variant (Variation ID: 817534). Experimental studies and prediction algorithms are not available or were not evaluated, and the functional significance of this variant is currently unknown. In summary, the available evidence is currently insufficient to determine the role of this variant in disease. Therefore, it has been classified as a Variant of Uncertain Significance.

NM_024678.6(NARS2):c.1306C>T (p.Arg436Ter)

Gene: NARS2 (asparaginyl-tRNA synthetase 2, mitochondrial; minus strand). Cytogenetic location: 11q14.1.
Variant type: single nucleotide variant.
Coding change: c.1306C>T on transcript NM_024678.6 (MANE Select); coding-DNA position 1306, C replaced by T.
Protein change: p.Arg436Ter; replaces arginine 436 with a stop codon.
Molecular consequence: nonsense.
Genome position (GRCh38, 1-based): chr11:78,436,798, G>A on the plus strand (C>T on the coding strand, the complement: NARS2 is on the minus strand). VCF-style: chr11-78436798-G-A. GRCh37 (hg19) VCF-style: chr11-78147844-G-A.
Other names: c.625C>T, p.Arg209Ter (NM_001243251.2); short protein forms R209*, R436*.
Identifiers: ClinVar variation 817534 (VCV000817534.6), dbSNP rs751383065, ClinGen allele CA6205490.